The following is an entry in ClinVar:

ClinVar aggregate classification (germline): Uncertain significance (1 of 4 stars; one submission).

Submission:

GeneDx
Classification: Uncertain significance. Last evaluated: 2013-10-18. Review status: criteria provided, single submitter. Criteria: GeneDx Variant Classification (06012015). Collection method: clinical testing. Allele origin: germline. Affected: yes.
Comment: p.Gly15Asp (GGC>GAC): c.44 G>A in exon 1 of the EPM2A gene (NM_005670.3). The Gly15Asp missense change has not been published as a mutation, nor has it been reported as a benign polymorphism to our knowledge. It was not observed in approximately 3,400 individuals of European and African American ancestry in the NHLBI Exome Sequencing Project, indicating it is not a common benign variant in these populations. This variant is a non-conservative amino acid substitution of an uncharged, non-polar Glycine residue with a negatively charged, polar Aspartic acid residue and other missense mutations have been reported at nearby codons in association with Lafora disease. However, in silico analysis predicts this variant likely has a benign effect on the protein structure/function. Therefore, based on the currently available information, it is unclear whether Gly15Asp is a disease-causing mutation or a rare benign variant. The variant is found in CHILD-EPI panel(s).

NM_005670.4(EPM2A):c.44G>A (p.Gly15Asp)

Genes: EPM2A (EPM2A glucan phosphatase, laforin; minus strand), EPM2A-DT (EPM2A divergent transcript; plus strand), LOC129997381 (ATAC-STARR-seq lymphoblastoid silent region 17642; plus strand). Cytogenetic location: 6q24.3.
Variant type: single nucleotide variant.
Coding change: c.44G>A on transcript NM_005670.4 (MANE Select); coding-DNA position 44, G replaced by A.
Protein change: p.Gly15Asp; replaces glycine 15 with aspartic acid.
Molecular consequence: missense variant. On other transcripts: 5 prime UTR variant (3), intron variant (1).
Genome position (GRCh38, 1-based): chr6:145,735,455, C>T on the plus strand (G>A on the coding strand, the complement: EPM2A is on the minus strand). VCF-style: chr6-145735455-C-T. GRCh37 (hg19) VCF-style: chr6-146056591-C-T.
Other names: p.G15D:GGC>GAC; c.44G>A, p.Gly15Asp (NM_001018041.2, NM_001360057.2, NM_001368130.1); c.-626G>A (NM_001360071.2); c.-580G>A (NM_001368129.2); c.-324G>A (NM_001368131.1); c.-114+453G>A (NM_001360064.2); short protein forms G15D.
Identifiers: ClinVar variation 205441 (VCV000205441.2), dbSNP rs796052432, ClinGen allele CA314514.